The following is an entry in ClinVar:

ClinVar aggregate classification (germline): Uncertain significance (1 of 4 stars; one submission).

Submission:

Women's Health and Genetics/Laboratory Corporation of America, LabCorp
Classification: Uncertain significance. Last evaluated: 2025-10-13. Review status: criteria provided, single submitter. Criteria: LabCorp Variant Classification Summary - May 2015. Collection method: clinical testing. Allele origin: germline.
Comment: Variant summary: ARHGAP31 c.3413G>C (p.Gly1138Ala) results in a non-conservative amino acid change in the encoded protein sequence. Algorithms developed to predict the effect of missense changes on protein structure and function are either unavailable or do not agree on the potential impact of this missense change. The variant was absent in 248326 control chromosomes. The available data on variant occurrences in the general population are insufficient to allow any conclusion about variant significance. To our knowledge, no occurrence of c.3413G>C in individuals affected with ARHGAP31-related conditions and no experimental evidence demonstrating its impact on protein function have been reported. No submitters have cited clinical-significance assessments for this variant to ClinVar. Based on the evidence outlined above, the variant was classified as uncertain significance.

NM_020754.4(ARHGAP31):c.3413G>C (p.Gly1138Ala)

Gene: ARHGAP31 (Rho GTPase activating protein 31; plus strand). Cytogenetic location: 3q13.33.
Variant type: single nucleotide variant.
Coding change: c.3413G>C on transcript NM_020754.4 (MANE Select); coding-DNA position 3413, G replaced by C.
Protein change: p.Gly1138Ala; replaces glycine 1138 with alanine.
Molecular consequence: missense variant.
Genome position (GRCh38, 1-based): chr3:119,415,342, G>C. VCF-style: chr3-119415342-G-C. GRCh37 (hg19) VCF-style: chr3-119134189-G-C.
Other names: short protein forms G1138A.
Identifiers: ClinVar variation 4687346 (VCV004687346.1).
Genomic context (GRCh38, chr3:119,415,342, plus strand): 5'-TCTTCTGGTTTGAGAATGTGGCCTCATTTAGTTCACCTGGAATGCAGGTCTCTGAGCCAG[G>C]AGACCCAAAGGTCACATGGATGACCTCATCTTACTGTAAAGCAGACCCCTGGAGGGTTTA-3'
Protein context (NP_065805.2, residues 1128-1148): SSPGMQVSEP[Gly1138Ala]DPKVTWMTSS